The following is an entry in ClinVar:

NM_004006.3(DMD):c.7795G>A (p.Ala2599Thr)

Gene: DMD (dystrophin; minus strand). Cytogenetic location: Xp21.1.
Variant type: single nucleotide variant.
Coding change: c.7795G>A on transcript NM_004006.3 (MANE Select); coding-DNA position 7795, G replaced by A.
Protein change: p.Ala2599Thr; replaces alanine 2599 with threonine.
Molecular consequence: missense variant.
Genome position (GRCh38, 1-based): chrX:31,679,452, C>T on the plus strand (G>A on the coding strand, the complement: DMD is on the minus strand). VCF-style: chrX-31679452-C-T. GRCh37 (hg19) VCF-style: chrX-31697569-C-T.
Other names: c.7771G>A, p.Ala2591Thr (NM_000109.4); c.7783G>A, p.Ala2595Thr (NM_004009.3); c.7426G>A, p.Ala2476Thr (NM_004010.3); c.3772G>A, p.Ala1258Thr (NM_004011.4); c.3763G>A, p.Ala1255Thr (NM_004012.4); c.415G>A, p.Ala139Thr (NM_004013.3, NM_004020.4, NM_004021.3 and 2 more transcripts); short protein forms A1255T, A1258T, A2476T, A2591T, A2595T, A139T, A2599T.
Identifiers: ClinVar variation 965816 (VCV000965816.10), dbSNP rs1569220550, ClinGen allele CA412656715.

ClinVar aggregate classification (germline): Conflicting classifications of pathogenicity. Review status: criteria provided, conflicting classifications (1 of 4 stars). 3 submissions from 3 submitters: Uncertain significance (1); Likely benign (1). 1 of the submissions does not count toward it. Last evaluated 2024-02-29.

Conditions:
Cardiovascular phenotype. Identifiers: MedGen CN230736.
Duchenne muscular dystrophy (DMD). Also called: MUSCULAR DYSTROPHY, PSEUDOHYPERTROPHIC PROGRESSIVE, DUCHENNE TYPE; Duchenne Muscular Dystrophy (DMD). Identifiers: Orphanet 98896, MedGen C0013264, MONDO:0010679, OMIM 310200.
Dystrophin deficiency.
Becker muscular dystrophy (BMD). Also called: MUSCULAR DYSTROPHY, PSEUDOHYPERTROPHIC PROGRESSIVE, BECKER TYPE; Becker Muscular Dystrophy (BMD). Identifiers: Orphanet 98895, MedGen C0917713, MONDO:0010311, OMIM 300376.
Cardiomyopathy (CMYO). Also called: Cardiomyopathies. Identifiers: Orphanet 167848, MedGen C0878544, MONDO:0004994, HP:0001638. Inheritance: Various modes of inheritance.

Allele frequency attached by ClinVar (database versions not stated): gnomAD exomes below 0.00001; gnomAD 0.00001.
gnomAD v4.1: 3 of 1,210,218 alleles (0.00025%); highest among the groups gnomAD compares: African/African-American, 0.0035%; no homozygotes.

Submissions (3):

Labcorp Genetics (formerly Invitae), Labcorp
Classification: Uncertain significance for Duchenne muscular dystrophy. Last evaluated: 2024-02-29. Review status: criteria provided, single submitter. Criteria: Invitae Variant Classification Sherloc (09022015). Collection method: clinical testing. Allele origin: germline.
Comment: This sequence change replaces alanine, which is neutral and non-polar, with threonine, which is neutral and polar, at codon 2599 of the DMD protein (p.Ala2599Thr). This variant is not present in population databases (gnomAD no frequency). This variant has not been reported in the literature in individuals affected with DMD-related conditions. ClinVar contains an entry for this variant (Variation ID: 965816). Advanced modeling of protein sequence and biophysical properties (such as structural, functional, and spatial information, amino acid conservation, physicochemical variation, residue mobility, and thermodynamic stability) performed at Invitae indicates that this missense variant is not expected to disrupt DMD protein function with a negative predictive value of 95%. In summary, the available evidence is currently insufficient to determine the role of this variant in disease. Therefore, it has been classified as a Variant of Uncertain Significance.

Ambry Genetics
Classification: Likely benign for Cardiovascular phenotype. Last evaluated: 2023-12-06. Review status: criteria provided, single submitter. Criteria: Ambry Variant Classification Scheme 2023. Collection method: clinical testing. Allele origin: germline.

Natera, Inc.
Classification: Uncertain significance for Becker muscular dystrophy; Cardiomyopathy; Duchenne muscular dystrophy; Dystrophin deficiency. Last evaluated: 2018-12-12. Review status: no assertion criteria provided. Collection method: clinical testing. Allele origin: germline. Not counted in ClinVar's aggregate classification.